The following is an entry in ClinVar:

NM_006946.4(SPTBN2):c.3986A>G (p.Asn1329Ser)

Gene: SPTBN2 (spectrin beta, non-erythrocytic 2; minus strand). Cytogenetic location: 11q13.2.
Variant type: single nucleotide variant.
Coding change: c.3986A>G on transcript NM_006946.4 (MANE Select); coding-DNA position 3986, A replaced by G.
Protein change: p.Asn1329Ser; replaces asparagine 1329 with serine.
Molecular consequence: missense variant.
Genome position (GRCh38, 1-based): chr11:66,698,667, T>C on the plus strand (A>G on the coding strand, the complement: SPTBN2 is on the minus strand). VCF-style: chr11-66698667-T-C. GRCh37 (hg19) VCF-style: chr11-66466138-T-C.
Other names: c.4007A>G, p.Asn1336Ser (NM_001411025.1); c.3986A>G, p.Asn1329Ser (NM_001437541.1); short protein forms N1329S, N1336S.
Identifiers: ClinVar variation 4174337 (VCV004174337.3).

ClinVar aggregate classification (germline): Uncertain significance. Review status: criteria provided, multiple submitters, no conflicts (2 of 4 stars). 2 submissions from 2 submitters: Uncertain significance (2). Last evaluated 2026-05-01.

Conditions:
Inborn genetic diseases. Identifiers: MedGen C0950123, MeSH D030342.

Submissions (2):

CeGaT Center for Human Genetics Tuebingen
Classification: Uncertain significance. Last evaluated: 2026-05-01. Review status: criteria provided, single submitter. Criteria: CeGaT Center For Human Genetics Tuebingen Variant Classification Criteria Version 2. Collection method: clinical testing. Allele origin: germline. Affected: yes. Observed: 1 variant allele.
Comment: SPTBN2: PM2, PP2

Ambry Genetics
Classification: Uncertain significance for Inborn genetic diseases. Last evaluated: 2025-09-05. Review status: criteria provided, single submitter. Criteria: Ambry Variant Classification Scheme 2023. Collection method: clinical testing. Allele origin: germline.